The following is an entry in ClinVar:

ClinVar aggregate classification (germline): Likely benign. Review status: criteria provided, multiple submitters, no conflicts (2 of 4 stars). 5 submissions from 5 submitters: Likely benign (4). 1 of the submissions does not count toward it. Last evaluated 2026-01-12.

Conditions:
Inborn genetic diseases. Identifiers: MedGen C0950123, MeSH D030342.
SLC52A2-related disorder. Also called: SLC52A2-related condition.
Brown-Vialetto-van Laere syndrome 2. Also called: Riboflavin transporter deficiency type 2; SPINOCEREBELLAR ATAXIA WITH BLINDNESS AND DEAFNESS 2. Identifiers: Orphanet 572543, Orphanet 97229, MedGen C3553538, MONDO:0013867, OMIM 614707.

Allele frequency attached by ClinVar (database versions not stated): TOPMed 0.00005; gnomAD exomes 0.00006 and 0.00004; ESP Exome Variant Server 0.00015; gnomAD 0.00003; ExAC 0.00002.

Submissions (5):

Labcorp Genetics (formerly Invitae), Labcorp
Classification: Likely benign for Brown-Vialetto-van Laere syndrome 2. Last evaluated: 2026-01-12. Review status: criteria provided, single submitter. Criteria: Invitae Variant Classification Sherloc (09022015). Collection method: clinical testing. Allele origin: germline.

Blueprint Genetics
Classification: Likely benign. Last evaluated: 2021-07-30. Review status: criteria provided, single submitter. Criteria: ACMG Guidelines, 2015. Collection method: clinical testing. Allele origin: germline.

GeneDx
Classification: Likely benign. Last evaluated: 2021-01-13. Review status: criteria provided, single submitter. Criteria: GeneDx Variant Classification Process June 2021. Collection method: clinical testing. Allele origin: germline. Affected: yes.

Ambry Genetics
Classification: Likely benign for Inborn genetic diseases. Last evaluated: 2019-07-11. Review status: criteria provided, single submitter. Criteria: Ambry Variant Classification Scheme 2023. Collection method: clinical testing. Allele origin: germline.

PreventionGenetics, part of Exact Sciences
Classification: Likely benign for SLC52A2-related condition. Last evaluated: 2020-08-10. Review status: no assertion criteria provided. Collection method: clinical testing. Allele origin: germline. Not counted in ClinVar's aggregate classification.
Comment: This variant is classified as likely benign based on ACMG/AMP sequence variant interpretation guidelines (Richards et al. 2015 PMID: 25741868, with internal and published modifications).

NM_001363118.2(SLC52A2):c.948G>A (p.Leu316=)

Gene: SLC52A2 (solute carrier family 52 member 2; plus strand). Cytogenetic location: 8q24.3.
Variant type: single nucleotide variant.
Coding change: c.948G>A on transcript NM_001363118.2 (MANE Select); coding-DNA position 948, G replaced by A.
Protein change: p.Leu316=; no amino-acid change (leucine 316 retained).
Molecular consequence: synonymous variant. On other transcripts: non-coding transcript variant (1).
Genome position (GRCh38, 1-based): chr8:144,360,440, G>A. VCF-style: chr8-144360440-G-A. GRCh37 (hg19) VCF-style: chr8-145584100-G-A.
Other names: c.948G>A, p.Leu316= (NM_001253815.2, NM_001253816.2, NM_001363120.2 and 2 more transcripts); c.456G>A, p.Leu152= (NM_001363122.2); c.948G>A (NM_001253816.1).
Identifiers: ClinVar variation 579689 (VCV000579689.16), dbSNP rs370929795, ClinGen allele CA4938318.